The following is an entry in ClinVar:

NM_001005498.4(RHBDF2):c.359T>C (p.Met120Thr)

Gene: RHBDF2 (rhomboid 5 homolog 2; minus strand). Cytogenetic location: 17q25.1.
Variant type: single nucleotide variant.
Coding change: c.359T>C on transcript NM_001005498.4 (MANE Select); coding-DNA position 359, T replaced by C.
Protein change: p.Met120Thr; replaces methionine 120 with threonine.
Molecular consequence: missense variant. On other transcripts: non-coding transcript variant (3).
Genome position (GRCh38, 1-based): chr17:76,479,191, A>G on the plus strand (T>C on the coding strand, the complement: RHBDF2 is on the minus strand). VCF-style: chr17-76479191-A-G. GRCh37 (hg19) VCF-style: chr17-74475273-A-G.
Other names: c.359T>C, p.Met120Thr (NM_001376228.1, NM_001376229.1, NM_001376230.1); c.446T>C, p.Met149Thr (NM_024599.5); short protein forms M149T, M120T.
Identifiers: ClinVar variation 325460 (VCV000325460.10), dbSNP rs367658130, ClinGen allele CA8787365.

ClinVar aggregate classification (germline): Conflicting classifications of pathogenicity. Review status: criteria provided, conflicting classifications (1 of 4 stars). 4 submissions from 4 submitters: Uncertain significance (3); Likely benign (1). Last evaluated 2025-11-02.

Conditions:
Inborn genetic diseases. Identifiers: MedGen C0950123, MeSH D030342.
Palmoplantar keratoderma-esophageal carcinoma syndrome (TOC). Also called: Tylosis with Esophageal Cancer; PALMOPLANTAR KERATODERMA WITH ESOPHAGEAL CANCER; KERATOSIS PALMARIS ET PLANTARIS WITH ESOPHAGEAL CANCER. Identifiers: Orphanet 2198, MedGen C1835664, MONDO:0007856, OMIM 148500.

Allele frequency attached by ClinVar (database versions not stated): gnomAD exomes 0.00001 and 0.00002; ExAC 0.00003; gnomAD 0.00005; TOPMed 0.00006.

Submissions (4):

Labcorp Genetics (formerly Invitae), Labcorp
Classification: Uncertain significance. Last evaluated: 2025-11-02. Review status: criteria provided, single submitter. Criteria: Invitae Variant Classification Sherloc (09022015). Collection method: clinical testing. Allele origin: germline.
Comment: This sequence change replaces methionine, which is neutral and non-polar, with threonine, which is neutral and polar, at codon 149 of the RHBDF2 protein (p.Met149Thr). This variant is present in population databases (rs367658130, gnomAD 0.03%). This variant has not been reported in the literature in individuals affected with RHBDF2-related conditions. ClinVar contains an entry for this variant (Variation ID: 325460). An algorithm developed to predict the effect of missense changes on protein structure and function (PolyPhen-2) suggests that this variant is likely to be tolerated. In summary, the available evidence is currently insufficient to determine the role of this variant in disease. Therefore, it has been classified as a Variant of Uncertain Significance.

Ambry Genetics
Classification: Uncertain significance for Inborn genetic diseases. Last evaluated: 2025-01-28. Review status: criteria provided, single submitter. Criteria: Ambry Variant Classification Scheme 2023. Collection method: clinical testing. Allele origin: germline.

Baylor Genetics
Classification: Uncertain significance for Palmoplantar keratoderma-esophageal carcinoma syndrome. Last evaluated: 2023-08-07. Review status: criteria provided, single submitter. Criteria: ACMG Guidelines, 2015. Collection method: clinical testing. Allele origin: unknown.

Illumina Laboratory Services, Illumina
Classification: Likely benign for Palmoplantar keratoderma-esophageal carcinoma syndrome. Last evaluated: 2018-01-13. Review status: criteria provided, single submitter. Criteria: ICSL Variant Classification Criteria 13 December 2019. Collection method: clinical testing. Allele origin: germline.
Comment: This variant was observed in the ICSL laboratory as part of a predisposition screen in an ostensibly healthy population. It had not been previously curated by ICSL or reported in the Human Gene Mutation Database (HGMD: prior to June 1st, 2018), and was therefore a candidate for classification through an automated scoring system. Utilizing variant allele frequency, disease prevalence and penetrance estimates, and inheritance mode, an automated score was calculated to assess if this variant is too frequent to cause the disease. Based on the score and internal cut-off values, a variant classified as likely benign is not then subjected to further curation. The score for this variant resulted in a classification of likely benign for this disease.